The following is an entry in ClinVar:

NM_138295.5(PKD1L1):c.7305T>C (p.Cys2435=)

Genes: PKD1L1 (polycystin 1 like 1, transient receptor potential channel interacting; minus strand), PKD1L1-AS1 (PKD1L1 antisense RNA 1; plus strand). Cytogenetic location: 7p12.3.
Variant type: single nucleotide variant.
Coding change: c.7305T>C on transcript NM_138295.5 (MANE Select); coding-DNA position 7305, T replaced by C.
Protein change: p.Cys2435=; no amino-acid change (cysteine 2435 retained).
Molecular consequence: synonymous variant.
Genome position (GRCh38, 1-based): chr7:47,813,162, A>G on the plus strand (T>C on the coding strand, the complement: PKD1L1 is on the minus strand). VCF-style: chr7-47813162-A-G. GRCh37 (hg19) VCF-style: chr7-47852760-A-G.
Identifiers: ClinVar variation 3040269 (VCV003040269.4), dbSNP rs769379900, ClinGen allele CA4252056.

ClinVar aggregate classification (germline): Likely benign. Review status: criteria provided, single submitter (1 of 4 stars). 2 submissions from 2 submitters: Likely benign (1). 1 of the submissions does not count toward it. Last evaluated 2025-12-08.

Conditions:
PKD1L1-related disorder. Also called: PKD1L1-related condition.

Allele frequency attached by ClinVar (database versions not stated): ExAC 0.00002; gnomAD exomes 0.00004; TOPMed 0.00005; gnomAD 0.00006.
gnomAD v4.1: 72 of 1,613,888 alleles (0.0045%); highest among the groups gnomAD compares: Admixed American, 0.0083%; no homozygotes.

Submissions (2):

Labcorp Genetics (formerly Invitae), Labcorp
Classification: Likely benign. Last evaluated: 2025-12-08. Review status: criteria provided, single submitter. Criteria: Invitae Variant Classification Sherloc (09022015). Collection method: clinical testing. Allele origin: germline.

PreventionGenetics, part of Exact Sciences
Classification: Likely benign for PKD1L1-related condition. Last evaluated: 2022-04-05. Review status: no assertion criteria provided. Collection method: clinical testing. Allele origin: germline. Not counted in ClinVar's aggregate classification.
Comment: This variant is classified as likely benign based on ACMG/AMP sequence variant interpretation guidelines (Richards et al. 2015 PMID: 25741868, with internal and published modifications).